The following is an entry in ClinVar:

ClinVar aggregate classification (germline): Pathogenic/Likely pathogenic. Review status: criteria provided, multiple submitters, no conflicts (2 of 4 stars). 16 submissions from 16 submitters: Pathogenic (7); Likely pathogenic (7). 2 of the submissions do not count toward it. Last evaluated 2026-08-06.

Conditions:
TTR-related disorder. Also called: TTR-related condition; TTR-related disorders.
Amyloidosis, hereditary systemic 1 (AMYLD1). Also called: Transthyretin Amyloidosis; Hereditary Transthyretin Amyloidosis; Familial amyloid polyneuropathy; AMYLOID CARDIOMYOPATHY; Hereditary oculoleptomeningeal amyloid angiopathy; Familial Transthyretin Amyloidosis. Identifiers: Orphanet 85447, Orphanet 85451, MedGen C2751492, MONDO:0971004, OMIM 105210.
Carpal tunnel syndrome 1 (CTS1). Also called: Carpal tunnel syndrome, familial. Identifiers: MedGen C5779776, MONDO:0020730, OMIM 115430.
Hyperthyroxinemia, dystransthyretinemic. Also called: HYPERTHYROXINEMIA, DYSPREALBUMINEMIC; EUTHRYROIDAL HYPERTHYROXINEMIA 2. Identifiers: MedGen C2750824, MONDO:0007785, OMIM 145680.
Cardiovascular phenotype. Identifiers: MedGen CN230736.

Allele frequency attached by ClinVar (database versions not stated): TOPMed 0.00003; ExAC 0.00004; gnomAD exomes 0.00001 and 0.00002; gnomAD 0.00003 and 0.00004.
gnomAD v4.1: 21 of 1,613,992 alleles (0.0013%); highest among the groups gnomAD compares: African/African-American, 0.0053%; no homozygotes.

Submissions 1 to 8 of 16:

GeneDx
Classification: Likely pathogenic. Last evaluated: 2026-08-06. Review status: criteria provided, single submitter. Criteria: GeneDx Variant Classification Process June 2021. Collection method: clinical testing. Allele origin: germline.
Comment: Observed frequently in unrelated patients from different ethnic backgrounds with TTR amyloidosis in published literature (PMID: 1786038, 8038017, 14640031, 21540676, 22745357, 23713495, 26428663, 26537620, 28635949, 31371117); Segregates with disease in affected individuals from several unrelated families in published literature (PMID: 14640031, 22745357); Not observed at significant frequency in large population cohorts (gnomAD); Published functional studies showed that although mutant protein could be distinguished from wild type protein, it showed no change in conformational stability compared to wild type (PMID: 17503405); In silico analysis suggests that this missense variant does not alter protein structure/function; Also known as p.(I68L); This variant is associated with the following publications: (PMID: 31371117, 1786038, 8038017, 14640031, 21540676, 23713495, 26428663, 26537620, 28635949, 30638075, 31589614, 18544157, 36444226, 24767411, 30070416, 34622675, 30683924, 28188196, 34658264, 34828392, 34047656, 35717381, 28494620, 34746851, 24184229, 33844361, 42483699, 42307157, 41732853, 41498649, 42270386, 40600269, 39655870, 41205147, 40088892, 22745357, 17503405)

Ambry Genetics
Classification: Pathogenic for Cardiovascular phenotype. Last evaluated: 2026-07-09. Review status: criteria provided, single submitter. Criteria: Ambry Variant Classification Scheme 2023. Collection method: clinical testing. Allele origin: germline.
Comment: The c.262A>T (p.I88L) alteration, also known as I68L, is located in exon 3 (coding exon 3) of the TTR gene. This alteration results from an A to T substitution at nucleotide position 262, causing the isoleucine (I) at amino acid position 88 to be replaced by a leucine (L). Based on data from gnomAD, the T allele has an overall frequency of 0.002% (5/282840) total alleles studied. The highest observed frequency was 0.004% (5/129164) of European (non-Finnish) alleles. A large multicenter study in the Italian population found this pathogenic mutation to be the third most common TTR mutation, and the most common TTR mutation with a predominantly cardiac phenotype; it was identified in 27 individuals from 22 families, 23 of whom had a predominantly cardiac phenotype, three of whom had a predominantly neurologic phenotype, and one of whom had a mixed phenotype (Rapezzi, 2013). This amino acid position is not well conserved in available vertebrate species. One functional study showed this alteration has minimal effect to the stability of the protein structure; however, this analysis does not capture how mutations in TTR result in pathology (Altland, 2007). The in silico prediction for this alteration is inconclusive. Based on the available evidence, this alteration is classified as pathogenic.

PreventionGenetics, part of Exact Sciences
Classification: Pathogenic for TTR-related condition. Last evaluated: 2026-02-24. Review status: criteria provided, single submitter. Criteria: ACMG Guidelines, 2015. Collection method: clinical testing. Allele origin: germline.
Comment: The TTR c.262A>T variant is predicted to result in the amino acid substitution p.Ile88Leu. This variant, also referred to as p.Ile68Leu using legacy nomenclature, has been reported to be causative for hereditary transthyretin amyloidosis, and typically presents as cardiac amyloidosis (Rapezzi et al. 2013. PubMed ID: 22745357; Iorio et al. 2017. PubMed ID: 28635949; Maurizi. 2019. PubMed ID: 31371117; GeneReviews, Sekijima et al. 2024. PubMed ID: 20301373). This variant is reported in 0.0039% of alleles in individuals of European (Non-Finnish) descent in gnomAD and has been interpreted as pathogenic or likely pathogenic in ClinVar (ClinVar ID: 13446). This variant is interpreted as pathogenic.

Institute of Immunology and Genetics Kaiserslautern
Classification: Likely pathogenic for Amyloidosis, hereditary systemic 1. Last evaluated: 2026-02-04. Review status: criteria provided, single submitter. Criteria: ACMG Guidelines, 2015. Collection method: clinical testing. Allele origin: germline. Affected: yes.
Comment: ACMG Criteria: PS4, PM2_P, PP1; Variant was found in heterozygous state.

Labcorp Genetics (formerly Invitae), Labcorp
Classification: Pathogenic for Amyloidosis, hereditary systemic 1. Last evaluated: 2025-12-22. Review status: criteria provided, single submitter. Criteria: Invitae Variant Classification Sherloc (09022015). Collection method: clinical testing. Allele origin: germline.
Comment: This sequence change replaces isoleucine, which is neutral and non-polar, with leucine, which is neutral and non-polar, at codon 88 of the TTR protein (p.Ile88Leu). This variant is present in population databases (rs121918085, gnomAD 0.004%). This missense change has been observed in individual(s) with hereditary transthyretin-mediated amyloidosis (hATTR amyloidosis) (PMID: 1786038, 22745357, 26428663, 26537620). It has also been observed to segregate with disease in related individuals. ClinVar contains an entry for this variant (Variation ID: 13446). Invitae Evidence Modeling of protein sequence and biophysical properties (such as structural, functional, and spatial information, amino acid conservation, physicochemical variation, residue mobility, and thermodynamic stability) indicates that this missense variant is expected to disrupt TTR protein function with a positive predictive value of 95%. For these reasons, this variant has been classified as Pathogenic.

Variantyx, Inc.
Classification: Likely pathogenic for Amyloidosis, hereditary systemic 1. Last evaluated: 2025-07-28. Review status: criteria provided, single submitter. Criteria: Variantyx Assertion Criteria 2022. Collection method: clinical testing. Allele origin: germline. Inheritance: Autosomal dominant inheritance. Affected: yes.
Comment: This is a nonsynonymous variant in the TTR gene (OMIM: 176300). Pathogenic variants in this gene have been associated with autosomal dominant hereditary transthyretin-related amyloidosis. This variant has been reported in multiple unrelated affected individuals (PMID: 22745357, 26537620, 26428663, 1786038, 31589614, 31371117, 30638075, 28635949, 23713495, 17503405) (PS4_Moderate) and it has been observed to segregate with disease in at least 10 individuals from 3 families (PMID: 22745357) (PP1_Moderate). Moreover, it lies within a known hotspot for pathogenic variants or a well-established critical functional domain of the TTR protein (PM1). This variant has a 0.0053% maximum allele frequency in non-founder control populations (PM2). Computational algorithms produce conflicting evidence regarding the predicted functional impact of this variant (REVEL score: 0.554). Based on the current evidence, this variant is classified as likely pathogenic for autosomal dominant hereditary transthyretin-related amyloidosis.

Women's Health and Genetics/Laboratory Corporation of America, LabCorp
Classification: Pathogenic for Amyloidosis, hereditary systemic 1. Last evaluated: 2025-01-06. Review status: criteria provided, single submitter. Criteria: LabCorp Variant Classification Summary - May 2015. Collection method: clinical testing. Allele origin: germline.
Comment: Variant summary: TTR c.262A>T (p.Ile88Leu) results in a conservative amino acid change in the encoded protein sequence. Four of five in-silico tools predict a benign effect of the variant on protein function. The variant allele was found at a frequency of 1.6e-05 in 251440 control chromosomes. c.262A>T has been reported in the literature in multiple individuals affected with Transthyretin Amyloidosis (Almeida_1991, Salvi_2003, Rapezzi_2011, Rapezzi_2013). These data indicate that the variant is very likely to be associated with disease. At least one publication reports experimental evidence evaluating an impact on protein function, however, does not allow convincing conclusions about the variant effect (Altland_2007). The following publications have been ascertained in the context of this evaluation (PMID: 15123043, 17503405, 17577688, 21540676, 1786038, 15645642, 12228058, 21679902, 14640031, 19752327, 8038017, 22745357). ClinVar contains an entry for this variant (Variation ID: 13446). Based on the evidence outlined above, the variant was classified as pathogenic.

Athena Diagnostics
Classification: Pathogenic. Last evaluated: 2024-05-09. Review status: criteria provided, single submitter. Criteria: Athena Diagnostics Criteria. Collection method: clinical testing. Allele origin: unknown.
Comment: The frequency of this variant in the general population is consistent with pathogenicity (Genome Aggregation Database (gnomAD), Cambridge, MA (URL)). This variant is statistically more frequent in affected individuals than in the general population (PMID: 25997105, 25636337, 26208957, 26537620, 31103217, 31502881). This variant associates with autosomal dominant TTR-related amyloid cardiomyopathy (PMID 9017939), formerly known as familial amyloidotic cardiomyopathy (FAC), in multiple families (PMID: 8038017, 17062380, 22745357, 26428663). In some published literature, this variant is referred to as p.Ile68Leu.

NM_000371.4(TTR):c.262A>T (p.Ile88Leu)

Gene: TTR (transthyretin; plus strand). Cytogenetic location: 18q12.1.
Variant type: single nucleotide variant.
Coding change: c.262A>T on transcript NM_000371.4 (MANE Select); coding-DNA position 262, A replaced by T.
Protein change: p.Ile88Leu; replaces isoleucine 88 with leucine.
Molecular consequence: missense variant.
Genome position (GRCh38, 1-based): chr18:31,595,181, A>T. VCF-style: chr18-31595181-A-T. GRCh37 (hg19) VCF-style: chr18-29175144-A-T.
Other names: I68L; short protein forms I88L.
Identifiers: ClinVar variation 13446 (VCV000013446.43), dbSNP rs121918085, ClinGen allele CA256837.